The following is an entry in ClinVar:

ClinVar aggregate classification (germline): Uncertain significance (1 of 4 stars; one submission).

Conditions:
Familial thoracic aortic aneurysm and aortic dissection (TAAD). Also called: Thoracic aortic aneurysms and dissections. Identifiers: Orphanet 91387, MedGen C4707243, MONDO:0019625.

Submission:

All of Us Research Program, National Institutes of Health
Classification: Uncertain significance for Familial thoracic aortic aneurysm and aortic dissection. Last evaluated: 2023-04-03. Review status: criteria provided, single submitter. Criteria: ACMG Guidelines, 2015. Collection method: clinical testing. Allele origin: germline. Inheritance: Autosomal dominant inheritance. Observed: 1 variant allele, 1 heterozygote.
Comment: This variant causes a G to A nucleotide substitution at the +5 position of intron 10 of the MYH11 gene. Splice site prediction tools predict that this variant may have a significant impact on RNA splicing. To our knowledge, RNA studies have not been reported for this variant. This variant has not been reported in individuals affected with MYH11-related disorders in the literature. This variant has not been identified in the general population by the Genome Aggregation Database (gnomAD). The available evidence is insufficient to determine the role of this variant in disease conclusively. Therefore, this variant is classified as a Variant of Uncertain Significance.

This study involves interpretation of variants in research participants for the purpose of population health screening. Participant phenotype was not available at the time of variant classification. Additional details can be found in publication PMID: 35346344, PMCID: PMC8962531

NM_002474.3(MYH11):c.1033+5G>A

Gene: MYH11 (myosin heavy chain 11; minus strand). Cytogenetic location: 16p13.11.
Variant type: single nucleotide variant.
Coding change: c.1033+5G>A on transcript NM_002474.3 (MANE Select); 5 bases into the intron after coding-DNA position 1033, G replaced by A.
Molecular consequence: intron variant.
Genome position (GRCh38, 1-based): chr16:15,771,564, C>T on the plus strand (G>A on the coding strand, the complement: MYH11 is on the minus strand). VCF-style: chr16-15771564-C-T. GRCh37 (hg19) VCF-style: chr16-15865421-C-T.
Other names: c.1033+5G>A (NM_022844.3); c.1054+5G>A (NM_001040114.2, NM_001040113.2).
Identifiers: ClinVar variation 3070061 (VCV003070061.1), dbSNP rs2042101215, ClinGen allele CA2825002400.